The following is an entry in ClinVar:

NM_001083926.2(ASRGL1):c.926A>C (p.Ter309Ser)

Gene: ASRGL1 (asparaginase and isoaspartyl peptidase 1; plus strand). Cytogenetic location: 11q12.3.
Variant type: single nucleotide variant.
Coding change: c.926A>C on transcript NM_001083926.2 (MANE Select); coding-DNA position 926, A replaced by C.
Protein change: p.Ter309Ser.
Molecular consequence: stop lost.
Genome position (GRCh38, 1-based): chr11:62,392,283, A>C. VCF-style: chr11-62392283-A-C. GRCh37 (hg19) VCF-style: chr11-62159755-A-C.
Other names: c.926A>C, p.Ter309Ser (NM_025080.4).
Identifiers: ClinVar variation 1025068 (VCV001025068.7), dbSNP rs568440313, ClinGen allele CA6043362.

ClinVar aggregate classification (germline): Uncertain significance (1 of 4 stars; one submission).

Allele frequency attached by ClinVar (database versions not stated): TOPMed 0.00002; ExAC 0.00027; 1000 Genomes Project 0.00080; 1000 Genomes Project 30x 0.00094.

Submission:

Labcorp Genetics (formerly Invitae), Labcorp
Classification: Uncertain significance. Last evaluated: 2025-06-12. Review status: criteria provided, single submitter. Criteria: Invitae Variant Classification Sherloc (09022015). Collection method: clinical testing. Allele origin: germline.
Comment: This sequence change disrupts the translational stop signal of the ASRGL1 mRNA. It is expected to extend the length of the ASRGL1 protein by 10 additional amino acid residues. This variant is present in population databases (rs568440313, gnomAD 0.2%), and has an allele count higher than expected for a pathogenic variant. This variant has not been reported in the literature in individuals affected with ASRGL1-related conditions. ClinVar contains an entry for this variant (Variation ID: 1025068). In summary, the available evidence is currently insufficient to determine the role of this variant in disease. Therefore, it has been classified as a Variant of Uncertain Significance.